The following is an entry in ClinVar:

NM_001754.5(RUNX1):c.921C>T (p.Ala307=)

Gene: RUNX1 (RUNX family transcription factor 1; minus strand). Cytogenetic location: 21q22.12.
Variant type: single nucleotide variant.
Coding change: c.921C>T on transcript NM_001754.5 (MANE Select); coding-DNA position 921, C replaced by T.
Protein change: p.Ala307=; no amino-acid change (alanine 307 retained).
Molecular consequence: synonymous variant.
Genome position (GRCh38, 1-based): chr21:34,799,347, G>A on the plus strand (C>T on the coding strand, the complement: RUNX1 is on the minus strand). VCF-style: chr21-34799347-G-A. GRCh37 (hg19) VCF-style: chr21-36171644-G-A.
Other names: NM_001754.5(RUNX1):c.921C>T; p.Ala307=; c.840C>T, p.Ala280= (NM_001001890.3).
Identifiers: ClinVar variation 2122107 (VCV002122107.6), dbSNP rs2145907934, ClinGen allele CA512232206.

ClinVar aggregate classification (germline): Likely benign. Review status: reviewed by expert panel (3 of 4 stars). 3 submissions from 3 submitters: Likely benign (1). 2 of the submissions do not count toward it. Last evaluated 2024-09-10.

Conditions:
Hereditary thrombocytopenia and hematological cancer predisposition syndrome associated with RUNX1. Also called: Familial Platelet Disorder with Propensity to Acute Myelogenous Leukemia; Familial thrombocytopenia with propensity to acute myelogenous leukemia; PLATELET DISORDER, ASPIRIN-LIKE; RUNX1 Familial Platelet Disorder with Associated Myeloid Malignancies. Identifiers: Orphanet 71290, MedGen C1832388, MeSH C563324, MONDO:0100083, OMIM 601399.
Hereditary thrombocytopenia and hematologic cancer predisposition syndrome. Identifiers: Orphanet 71290, MedGen CN281654, MONDO:0011071.
Inborn genetic diseases. Identifiers: MedGen C0950123, MeSH D030342.

gnomAD v4.1: 1 of 1,614,204 alleles (0.000062%); highest among the groups gnomAD compares: Non-Finnish European, 0.000085%; no homozygotes.

Submissions (3):

ClinGen Myeloid Malignancy Variant Curation Expert Panel
Classification: Likely benign for Hereditary thrombocytopenia and hematologic cancer predisposition syndrome. Last evaluated: 2024-09-10. Review status: reviewed by expert panel. Criteria: ClinGen MyeloMalig ACMG Specifications v2. Collection method: curation. Allele origin: germline. Inheritance: Autosomal dominant inheritance.
Comment: NM_001754.5(RUNX1):c.921C>T (p.Ala307=) is a synonymous variant which has a SpliceAI score ≤ 0.20 (0.02) (BP4). This variant has a SpliceAI score ≤ 0.20 and evolutionary conservation algorithms predict the site as not being conserved (PhyloP score ≤ 2.0 (1.3)) (BP7). This variant is completely absent from all population databases with at least 20x coverage for RUNX1 (PM2_Supporting). In summary, this variant meets criteria to be classified as likely benign. ACMG/AMP criteria applied, as specified by the Myeloid Malignancy Variant Curation Expert Panel for RUNX1: BP4, BP7, PM2_supporting.

Ambry Genetics
Classification: Likely benign for Inborn genetic diseases. Last evaluated: 2024-12-14. Review status: criteria provided, single submitter. Criteria: Ambry Variant Classification Scheme 2023. Collection method: clinical testing. Allele origin: germline. Not counted in ClinVar's aggregate classification.

Labcorp Genetics (formerly Invitae), Labcorp
Classification: Likely benign for Hereditary thrombocytopenia and hematological cancer predisposition syndrome associated with RUNX1. Last evaluated: 2022-04-06. Review status: criteria provided, single submitter. Criteria: Invitae Variant Classification Sherloc (09022015). Collection method: clinical testing. Allele origin: germline. Not counted in ClinVar's aggregate classification.